The following is an entry in ClinVar:

NM_014727.3(KMT2B):c.461G>A (p.Arg154His)

Gene: KMT2B (lysine methyltransferase 2B; plus strand). Cytogenetic location: 19q13.12.
Variant type: single nucleotide variant.
Coding change: c.461G>A on transcript NM_014727.3 (MANE Select); coding-DNA position 461, G replaced by A.
Protein change: p.Arg154His; replaces arginine 154 with histidine.
Molecular consequence: missense variant.
Genome position (GRCh38, 1-based): chr19:35,719,808, G>A. VCF-style: chr19-35719808-G-A. GRCh37 (hg19) VCF-style: chr19-36210710-G-A.
Other names: short protein forms R154H.
Identifiers: ClinVar variation 1698060 (VCV001698060.2), dbSNP rs745637683, ClinGen allele CA9384029.

ClinVar aggregate classification (germline): Uncertain significance (1 of 4 stars; one submission).

Allele frequency attached by ClinVar (database versions not stated): ExAC 0.00001.

Submission:

GeneDx
Classification: Uncertain significance. Last evaluated: 2022-01-20. Review status: criteria provided, single submitter. Criteria: GeneDx Variant Classification Process June 2021. Collection method: clinical testing. Allele origin: germline. Affected: yes.
Comment: In silico analysis supports that this missense variant does not alter protein structure/function; Has not been previously published as pathogenic or benign to our knowledge